The following is an entry in ClinVar:

ClinVar aggregate classification (germline): Likely benign. Review status: criteria provided, multiple submitters, no conflicts (2 of 4 stars). 3 submissions from 3 submitters: Likely benign (3). Last evaluated 2025-01-29.

Conditions:
Fanconi anemia complementation group J. Also called: BRIP1-Related Fanconi Anemia. Identifiers: Orphanet 84, MedGen C1836860, MONDO:0012187, OMIM 609054.
Familial cancer of breast. Also called: BREAST CANCER, FAMILIAL; hereditary breast carcinoma; Hereditary breast cancer. Identifiers: Orphanet 227535, MedGen C0346153, MONDO:0016419, OMIM 114480. Disease mechanism: loss of function.

Allele frequency attached by ClinVar (database versions not stated): TOPMed below 0.00001.
gnomAD v4.1: 1 of 1,613,652 alleles (0.000062%); highest among the groups gnomAD compares: African/African-American, 0.0013%; no homozygotes.

Submissions (3):

Labcorp Genetics (formerly Invitae), Labcorp
Classification: Likely benign for Familial cancer of breast; Fanconi anemia complementation group J. Last evaluated: 2025-01-29. Review status: criteria provided, single submitter. Criteria: Invitae Variant Classification Sherloc (09022015). Collection method: clinical testing. Allele origin: germline.

Women's Health and Genetics/Laboratory Corporation of America, LabCorp
Classification: Likely benign. Last evaluated: 2024-12-11. Review status: criteria provided, single submitter. Criteria: LabCorp Variant Classification Summary - May 2015. Collection method: clinical testing. Allele origin: germline.

Myriad Genetics, Inc.
Classification: Likely benign for Familial cancer of breast. Last evaluated: 2024-08-21. Review status: criteria provided, single submitter. Criteria: Myriad Autosomal Dominant, Autosomal Recessive and X-Linked Classification Criteria (2023). Collection method: clinical testing. Allele origin: unknown.
Comment: This variant is considered likely benign. This variant is intronic and is not expected to impact mRNA splicing.

NM_032043.3(BRIP1):c.508-10G>C

Gene: BRIP1 (BRCA1 interacting DNA helicase 1; minus strand). Cytogenetic location: 17q23.2.
Variant type: single nucleotide variant.
Coding change: c.508-10G>C on transcript NM_032043.3 (MANE Select); 10 bases into the intron before coding-DNA position 508, G replaced by C.
Molecular consequence: intron variant.
Genome position (GRCh38, 1-based): chr17:61,847,230, C>G on the plus strand (G>C on the coding strand, the complement: BRIP1 is on the minus strand). VCF-style: chr17-61847230-C-G. GRCh37 (hg19) VCF-style: chr17-59924591-C-G.
Identifiers: ClinVar variation 928914 (VCV000928914.7), dbSNP rs2078749443, ClinGen allele CA1139665804.